The following is an entry in ClinVar:

ClinVar aggregate classification (germline): Pathogenic/Likely pathogenic. Review status: criteria provided, multiple submitters, no conflicts (2 of 4 stars). 2 submissions from 2 submitters: Pathogenic (1); Likely pathogenic (1). Last evaluated 2022-12-06.

Conditions:
FANCM-related disorder. Also called: FANCM-related condition.
Fanconi anemia (FA). Also called: Fanconi's anemia. Identifiers: Orphanet 84, MedGen C0015625, MeSH D005199, MONDO:0019391.

Allele frequency attached by ClinVar (database versions not stated): gnomAD exomes below 0.00001.

Submissions (2):

Blueprint Genetics
Classification: Likely pathogenic for FANCM-related disorders. Last evaluated: 2022-12-06. Review status: criteria provided, single submitter. Criteria: ACMG Guidelines, 2015. Collection method: clinical testing. Allele origin: germline. Affected: yes. Observed: 1 variant allele.

Labcorp Genetics (formerly Invitae), Labcorp
Classification: Pathogenic for Fanconi anemia. Last evaluated: 2022-08-09. Review status: criteria provided, single submitter. Criteria: Invitae Variant Classification Sherloc (09022015). Collection method: clinical testing. Allele origin: germline.
Comment: For these reasons, this variant has been classified as Pathogenic. ClinVar contains an entry for this variant (Variation ID: 1403850). This premature translational stop signal has been observed in individual(s) with breast cancer (PMID: 31991861). The frequency data for this variant in the population databases is considered unreliable, as metrics indicate poor data quality at this position in the gnomAD database. This sequence change creates a premature translational stop signal (p.Asp864Ilefs*12) in the FANCM gene. It is expected to result in an absent or disrupted protein product. Loss-of-function variants in FANCM are known to be pathogenic (PMID: 29895858, 30075111).

Literature cited by the submitters: PubMed 31991861 (cited by Labcorp Genetics (formerly Invitae), Labcorp); PubMed 29895858 (cited by Labcorp Genetics (formerly Invitae), Labcorp); PubMed 30075111 (cited by Labcorp Genetics (formerly Invitae), Labcorp).

NM_020937.4(FANCM):c.2590del (p.Asp864fs)

Gene: FANCM (FA complementation group M; plus strand). Cytogenetic location: 14q21.2.
Variant type: Deletion.
Coding change: c.2590del on transcript NM_020937.4 (MANE Select); coding-DNA position 2590, one base deleted (G; older notation c.2590delG).
Protein change: p.Asp864fs; shifts the reading frame from aspartic acid 864.
Molecular consequence: frameshift variant.
Genome position (GRCh38, 1-based): chr14:45,175,344, G deleted. VCF-style (leftmost placement, unchanged base first): chr14-45175343-AG-A. GRCh37 (hg19) VCF-style: chr14-45644546-AG-A.
Other names: c.2512del, p.Asp838fs (NM_001308133.2); short protein forms D838fs, D864fs.
Identifiers: ClinVar variation 1403850 (VCV001403850.9), dbSNP rs1566762159, ClinGen allele CA614273455.